The following is an entry in ClinVar:

ClinVar aggregate classification (germline): Uncertain significance. Review status: criteria provided, multiple submitters, no conflicts (2 of 4 stars). 2 submissions from 2 submitters: Uncertain significance (2). Last evaluated 2023-04-20.

Submissions (2):

Ambry Genetics
Classification: Uncertain significance. Last evaluated: 2023-04-20. Review status: criteria provided, single submitter. Criteria: Ambry Variant Classification Scheme 2023. Collection method: clinical testing. Allele origin: germline.

Labcorp Genetics (formerly Invitae), Labcorp
Classification: Uncertain significance. Last evaluated: 2023-02-25. Review status: criteria provided, single submitter. Criteria: Invitae Variant Classification Sherloc (09022015). Collection method: clinical testing. Allele origin: germline.
Comment: This variant has not been reported in the literature in individuals affected with COX4I2-related conditions. This variant is present in population databases (no rsID available, gnomAD 0.006%). This sequence change replaces glycine, which is neutral and non-polar, with arginine, which is basic and polar, at codon 31 of the COX4I2 protein (p.Gly31Arg). An algorithm developed to predict the effect of missense changes on protein structure and function (PolyPhen-2) suggests that this variant is likely to be tolerated. In summary, the available evidence is currently insufficient to determine the role of this variant in disease. Therefore, it has been classified as a Variant of Uncertain Significance.

NM_032609.3(COX4I2):c.91G>A (p.Gly31Arg)

Gene: COX4I2 (cytochrome c oxidase subunit 4I2; plus strand). Cytogenetic location: 20q11.21.
Variant type: single nucleotide variant.
Coding change: c.91G>A on transcript NM_032609.3 (MANE Select); coding-DNA position 91, G replaced by A.
Protein change: p.Gly31Arg; replaces glycine 31 with arginine.
Molecular consequence: missense variant.
Genome position (GRCh38, 1-based): chr20:31,639,941, G>A. VCF-style: chr20-31639941-G-A. GRCh37 (hg19) VCF-style: chr20-30227744-G-A.
Other names: short protein forms G31R.
Identifiers: ClinVar variation 2510354 (VCV002510354.5), dbSNP rs141463789, ClinGen allele CA408575486.